The following is an entry in ClinVar:

NM_194248.3(OTOF):c.4375G>A (p.Val1459Met)

Gene: OTOF (otoferlin; minus strand). Cytogenetic location: 2p23.3.
Variant type: single nucleotide variant.
Coding change: c.4375G>A on transcript NM_194248.3 (MANE Select); coding-DNA position 4375, G replaced by A.
Protein change: p.Val1459Met; replaces valine 1459 with methionine.
Molecular consequence: missense variant.
Genome position (GRCh38, 1-based): chr2:26,466,839, C>T on the plus strand (G>A on the coding strand, the complement: OTOF is on the minus strand). VCF-style: chr2-26466839-C-T. GRCh37 (hg19) VCF-style: chr2-26689707-C-T.
Other names: c.4375G>A, p.Val1459Met (NM_001287489.2); c.2074G>A, p.Val692Met (NM_004802.4, NM_194323.3); c.2305G>A, p.Val769Met (NM_194322.3); short protein forms V1459M, V692M, V769M.
Identifiers: ClinVar variation 896401 (VCV000896401.9), dbSNP rs749384668, ClinGen allele CA1563182.

ClinVar aggregate classification (germline): Conflicting classifications of pathogenicity. Review status: criteria provided, conflicting classifications (1 of 4 stars). 4 submissions from 4 submitters: Uncertain significance (3); Likely benign (1). Last evaluated 2024-02-03.

Conditions:
Autosomal recessive nonsyndromic hearing loss 9. Also called: Deafness, autosomal recessive 9; OTOF-Related Hearing Loss; AUDITORY NEUROPATHY, AUTOSOMAL RECESSIVE, 1, TEMPERATURE-SENSITIVE; NEUROSENSORY NONSYNDROMIC RECESSIVE DEAFNESS 9. Identifiers: Orphanet 90636, MedGen C1832828, MONDO:0010986, OMIM 601071.

Allele frequency attached by ClinVar (database versions not stated): ExAC 0.00004; gnomAD 0.00004 and 0.00003; TOPMed 0.00004; gnomAD exomes 0.00002 and 0.00005.
gnomAD v4.1: 31 of 1,614,064 alleles (0.0019%); highest among the groups gnomAD compares: Admixed American, 0.012%; no homozygotes.

Submissions (4):

Labcorp Genetics (formerly Invitae), Labcorp
Classification: Likely benign. Last evaluated: 2024-02-03. Review status: criteria provided, single submitter. Criteria: Invitae Variant Classification Sherloc (09022015). Collection method: clinical testing. Allele origin: germline.

Blueprint Genetics
Classification: Uncertain significance. Last evaluated: 2022-11-23. Review status: criteria provided, single submitter. Criteria: ACMG Guidelines, 2015. Collection method: clinical testing. Allele origin: germline.

GeneDx
Classification: Uncertain significance. Last evaluated: 2022-08-19. Review status: criteria provided, single submitter. Criteria: GeneDx Variant Classification Process June 2021. Collection method: clinical testing. Allele origin: germline. Affected: yes.
Comment: In silico analysis, which includes protein predictors and evolutionary conservation, supports that this variant does not alter protein structure/function; Has not been previously published as pathogenic or benign to our knowledge

Illumina Laboratory Services, Illumina
Classification: Uncertain significance for Autosomal recessive nonsyndromic hearing loss 9. Last evaluated: 2018-01-12. Review status: criteria provided, single submitter. Criteria: ICSL Variant Classification Criteria 13 December 2019. Collection method: clinical testing. Allele origin: germline.